The following is an entry in ClinVar:

NM_000051.4(ATM):c.2547G>C (p.Val849=)

Gene: ATM (ATM serine/threonine kinase; plus strand). Cytogenetic location: 11q22.3.
Variant type: single nucleotide variant.
Coding change: c.2547G>C on transcript NM_000051.4 (MANE Select); coding-DNA position 2547, G replaced by C.
Protein change: p.Val849=; no amino-acid change (valine 849 retained).
Molecular consequence: synonymous variant.
Genome position (GRCh38, 1-based): chr11:108,267,251, G>C. VCF-style: chr11-108267251-G-C. GRCh37 (hg19) VCF-style: chr11-108137978-G-C.
Other names: c.2547G>C, p.Val849= (NM_001351834.2).
Identifiers: ClinVar variation 3254131 (VCV003254131.1), dbSNP rs1060504262.
Genomic context (GRCh38, chr11:108,267,251, plus strand): 5'-ATTTGACCGTGGAGAAGTAGAATCAATGGAAGATGATACTAATGGAAATCTAATGGAGGT[G>C]GAGGATCAGTCATCCATGAATCTATTTAACGATTACCCTGATAGTAGTGTTAGTGATGCA-3'
Protein context (NP_000042.3, residues 839-859): EDDTNGNLME[Val849=]EDQSSMNLFN

ClinVar aggregate classification (germline): Benign (1 of 4 stars; one submission).

Conditions:
Familial cancer of breast. Also called: BREAST CANCER, FAMILIAL; Hereditary breast cancer; hereditary breast carcinoma. Identifiers: Orphanet 227535, MedGen C0346153, MONDO:0016419, OMIM 114480. Disease mechanism: loss of function.

Submission:

Myriad Genetics, Inc.
Classification: Benign for Familial cancer of breast. Last evaluated: 2024-05-09. Review status: criteria provided, single submitter. Criteria: Myriad Autosomal Dominant, Autosomal Recessive and X-Linked Classification Criteria (2023). Collection method: clinical testing. Allele origin: unknown.
Comment: This variant is considered benign. This variant is a silent/synonymous amino acid change and it is not expected to impact splicing.